The following is an entry in ClinVar:

ClinVar aggregate classification (germline): Conflicting classifications of pathogenicity. Review status: criteria provided, conflicting classifications (1 of 4 stars). 3 submissions from 3 submitters: Uncertain significance (2); Likely benign (1). Last evaluated 2026-07-01.

Conditions:
Gorlin syndrome. Also called: Nevoid Basal Cell Carcinoma Syndrome; Basal cell nevus syndrome. Identifiers: Orphanet 377, MedGen C0004779, MONDO:0007187.
Basal cell carcinoma, susceptibility to, 1. Also called: BCC1. Identifiers: MedGen C2751544, MONDO:0011556, OMIM 605462.
Hereditary cancer-predisposing syndrome. Also called: Hereditary Cancer Syndrome; Hereditary neoplastic syndrome; Neoplastic Syndromes, Hereditary; Tumor predisposition. Identifiers: Orphanet 140162, MedGen C0027672, MeSH D009386, MONDO:0015356.

Allele frequency attached by ClinVar (database versions not stated): gnomAD exomes below 0.00001.
gnomAD v4.1: 2 of 1,609,136 alleles (0.00012%); highest among the groups gnomAD compares: Non-Finnish European, 0.00017%; no homozygotes.

Submissions (3):

Ambry Genetics
Classification: Likely benign for Hereditary cancer-predisposing syndrome. Last evaluated: 2026-07-01. Review status: criteria provided, single submitter. Criteria: Ambry Variant Classification Scheme 2023. Collection method: clinical testing. Allele origin: germline.

Labcorp Genetics (formerly Invitae), Labcorp
Classification: Uncertain significance for Gorlin syndrome. Last evaluated: 2024-10-24. Review status: criteria provided, single submitter. Criteria: Invitae Variant Classification Sherloc (09022015). Collection method: clinical testing. Allele origin: germline.
Comment: This sequence change replaces proline, which is neutral and non-polar, with serine, which is neutral and polar, at codon 1286 of the PTCH1 protein (p.Pro1286Ser). This variant is not present in population databases (gnomAD no frequency). This variant has not been reported in the literature in individuals affected with PTCH1-related conditions. ClinVar contains an entry for this variant (Variation ID: 2560650). Invitae Evidence Modeling of protein sequence and biophysical properties (such as structural, functional, and spatial information, amino acid conservation, physicochemical variation, residue mobility, and thermodynamic stability) indicates that this missense variant is not expected to disrupt PTCH1 protein function with a negative predictive value of 95%. In summary, the available evidence is currently insufficient to determine the role of this variant in disease. Therefore, it has been classified as a Variant of Uncertain Significance.

Baylor Genetics
Classification: Uncertain significance for Basal cell carcinoma, susceptibility to, 1. Last evaluated: 2023-05-02. Review status: criteria provided, single submitter. Criteria: ACMG Guidelines, 2015. Collection method: clinical testing. Allele origin: unknown.

NM_000264.5(PTCH1):c.3856C>T (p.Pro1286Ser)

Gene: PTCH1 (patched 1; minus strand). Cytogenetic location: 9q22.32.
Variant type: single nucleotide variant.
Coding change: c.3856C>T on transcript NM_000264.5 (MANE Select); coding-DNA position 3856, C replaced by T.
Protein change: p.Pro1286Ser; replaces proline 1286 with serine.
Molecular consequence: missense variant. On other transcripts: non-coding transcript variant (1).
Genome position (GRCh38, 1-based): chr9:95,447,400, G>A on the plus strand (C>T on the coding strand, the complement: PTCH1 is on the minus strand). VCF-style: chr9-95447400-G-A. GRCh37 (hg19) VCF-style: chr9-98209682-G-A.
Other names: c.3658C>T, p.Pro1220Ser (NM_001083602.3); c.3853C>T, p.Pro1285Ser (NM_001083603.3); c.3403C>T, p.Pro1135Ser (NM_001083604.3, NM_001083605.3, NM_001083606.3 and 1 more transcripts); c.3700C>T, p.Pro1234Ser (NM_001354918.2); short protein forms P1286S, P1135S, P1220S, P1285S, P1234S.
Identifiers: ClinVar variation 2560650 (VCV002560650.8), dbSNP rs2136583938, ClinGen allele CA374110781.